The following is an entry in ClinVar:

ClinVar aggregate classification (germline): Pathogenic/Likely pathogenic. Review status: criteria provided, multiple submitters, no conflicts (2 of 4 stars). 2 submissions from 2 submitters: Pathogenic (1); Likely pathogenic (1). Last evaluated 2021-05-27.

Conditions:
Deficiency of acetyl-CoA acetyltransferase. Also called: MITOCHONDRIAL ACETOACETYL-CoA THIOLASE DEFICIENCY; Beta-ketothiolase deficiency; 3-KETOTHIOLASE DEFICIENCY; 3-OXOTHIOLASE DEFICIENCY. Identifiers: Orphanet 134, MedGen C1536500, MONDO:0008760, OMIM 203750. Disease mechanism: loss of function.

gnomAD v4.1: 1 of 1,613,796 alleles (0.000062%); highest among the groups gnomAD compares: Non-Finnish European, 0.000085%; no homozygotes.

Submissions (2):

Labcorp Genetics (formerly Invitae), Labcorp
Classification: Pathogenic for Deficiency of acetyl-CoA acetyltransferase. Last evaluated: 2021-05-27. Review status: criteria provided, single submitter. Criteria: Invitae Variant Classification Sherloc (09022015). Collection method: clinical testing. Allele origin: germline.
Comment: Experimental studies have shown that this variant affects ACAT1 protein function (PMID: 15128923). For these reasons, this variant has been classified as Pathogenic. Advanced modeling of protein sequence and biophysical properties (such as structural, functional, and spatial information, amino acid conservation, physicochemical variation, residue mobility, and thermodynamic stability) performed at Invitae indicates that this missense variant is expected to disrupt ACAT1 protein function. This variant has been observed in individual(s) with clinical features of beta-ketothiolase deficiency (PMID: 15128923, 20157782). ClinVar contains an entry for this variant (Variation ID: 666533). This variant is not present in population databases (ExAC no frequency). This sequence change replaces histidine with aspartic acid at codon 397 of the ACAT1 protein (p.His397Asp). The histidine residue is highly conserved and there is a moderate physicochemical difference between histidine and aspartic acid.

Department of Pediatrics, Gifu University
Classification: Likely pathogenic for Deficiency of acetyl-CoA acetyltransferase. Last evaluated: 2019-05-05. Review status: criteria provided, single submitter. Criteria: ACMG Guidelines, 2015. Collection method: research. Allele origin: germline. Affected: yes. Observed: 3 variant alleles. Clinical features observed: Ketoacidosis.

Literature cited by the submitters: PubMed 15128923 (cited by Labcorp Genetics (formerly Invitae), Labcorp and Department of Pediatrics, Gifu University); PubMed 20157782 (cited by Labcorp Genetics (formerly Invitae), Labcorp); PubMed 31268215 (cited by Department of Pediatrics, Gifu University).

NM_000019.4(ACAT1):c.1189C>G (p.His397Asp)

Gene: ACAT1 (acetyl-CoA acetyltransferase 1; plus strand). Cytogenetic location: 11q22.3.
Variant type: single nucleotide variant.
Coding change: c.1189C>G on transcript NM_000019.4 (MANE Select); coding-DNA position 1189, C replaced by G.
Protein change: p.His397Asp; replaces histidine 397 with aspartic acid.
Molecular consequence: missense variant.
Genome position (GRCh38, 1-based): chr11:108,147,295, C>G. VCF-style: chr11-108147295-C-G. GRCh37 (hg19) VCF-style: chr11-108018022-C-G.
Other names: short protein forms H397D.
Identifiers: ClinVar variation 666533 (VCV000666533.9), dbSNP rs746332363, ClinGen allele CA382508741.